The following is an entry in ClinVar:

ClinVar aggregate classification (germline): Pathogenic (1 of 4 stars; one submission).

Submission:

Labcorp Genetics (formerly Invitae), Labcorp
Classification: Pathogenic. Last evaluated: 2023-03-21. Review status: criteria provided, single submitter. Criteria: Invitae Variant Classification Sherloc (09022015). Collection method: clinical testing. Allele origin: germline.
Comment: This variant results in an extension of the BMP1 protein. Other variant(s) that result in a similarly extended protein product (p.Gln730Profs*?) have been determined to be pathogenic (PMID: 25656619, 27576954). This suggests that these extensions are likely to be disease-causing. For these reasons, this variant has been classified as Pathogenic. Algorithms developed to predict the effect of sequence changes on RNA splicing suggest that this variant may disrupt the consensus splice site. This variant has not been reported in the literature in individuals affected with BMP1-related conditions. This variant is not present in population databases (gnomAD no frequency). This sequence change results in a frameshift in the BMP1 gene (p.Lys704Glufs*191). While this is not anticipated to result in nonsense mediated decay, it is expected to disrupt the last 27 amino acid(s) of the BMP1 protein and extend the protein by 163 additional amino acid residues. The BMP1 gene has multiple clinically relevant transcripts. This variant occurs in alternate transcript NM_001199.3, and corresponds to NM_006129.4:c.2108-683_2108-682del in the primary transcript

Literature cited by the submitters: PubMed 25656619; PubMed 27576954.

NM_001199.4(BMP1):c.2110_2111del (p.Lys704fs)

Gene: BMP1 (bone morphogenetic protein 1; plus strand). Cytogenetic location: 8p21.3.
Variant type: Deletion.
Coding change: c.2110_2111del on transcript NM_001199.4 (MANE Plus Clinical); coding-DNA positions 2110 to 2111, 2 bases deleted (AA; older notation c.2110_2111delAA).
Protein change: p.Lys704fs; shifts the reading frame from lysine 704.
Molecular consequence: frameshift variant. On other transcripts: non-coding transcript variant (1), intron variant (1).
Genome position (GRCh38, 1-based): chr8:22,201,120-22,201,121, AA deleted; deleting any 2 consecutive bases within chr8:22,201,118-22,201,121 gives the same sequence; the c. name uses the placement nearest the transcript's 3' end. VCF-style (leftmost placement, unchanged base first): chr8-22201117-GAA-G. GRCh37 (hg19) VCF-style: chr8-22058630-GAA-G.
Other names: c.2108-683_2108-682del (NM_006129.5); short protein forms K704fs.
Identifiers: ClinVar variation 3004772 (VCV003004772.3), dbSNP rs2539025368, ClinGen allele CA2695208969.